The following is an entry in ClinVar:

NM_001875.5(CPS1):c.2435C>A (p.Ala812Asp)

Gene: CPS1 (carbamoyl-phosphate synthase 1; plus strand). Cytogenetic location: 2q34.
Variant type: single nucleotide variant.
Coding change: c.2435C>A on transcript NM_001875.5 (MANE Select); coding-DNA position 2435, C replaced by A.
Protein change: p.Ala812Asp; replaces alanine 812 with aspartic acid.
Molecular consequence: missense variant. On other transcripts: non-coding transcript variant (2).
Genome position (GRCh38, 1-based): chr2:210,612,160, C>A. VCF-style: chr2-210612160-C-A. GRCh37 (hg19) VCF-style: chr2-211476884-C-A.
Other names: c.2435C>A, p.Ala812Asp (NM_001122633.3, NM_001369257.1); c.2468C>A, p.Ala823Asp (NM_001369256.1); short protein forms A812D, A823D.
Identifiers: ClinVar variation 4065330 (VCV004065330.2).

ClinVar aggregate classification (germline): Likely pathogenic (1 of 4 stars; one submission).

Conditions:
Congenital hyperammonemia, type I. Also called: CPS I DEFICIENCY; Carbamoyl phosphate synthetase 1 deficiency; Hyperammonemia due to carbamoyl phosphate synthetase 1 deficiency; CPS 1 deficiency; Carbamyl phosphate synthetase (CPS) deficiency; Carbamoyl phosphate synthetase I deficiency disease. Identifiers: Orphanet 147, MedGen C4082171, MONDO:0009376, OMIM 237300.

gnomAD v4.1: 2 of 1,612,016 alleles (0.00012%); highest among the groups gnomAD compares: East Asian, 0.0022%; no homozygotes.

Submission:

Natera, Inc.
Classification: Likely pathogenic for Carbamoyl-phosphate synthase I deficiency. Last evaluated: 2025-03-24. Review status: criteria provided, single submitter. Criteria: Natera Variant Classification Schema (03/2026). Collection method: clinical testing. Allele origin: germline.
Comment: The c.2435C>A variant in CPS1 is a missense variant predicted to cause substitution of alanine to aspartic acid at amino acid 812. This variant is rare in the general population with a frequency below the threshold expected for the associated phenotype(s). This variant has been observed in one or more individuals affected with the associated recessive disease, as either homozygous or compound heterozygous with a second variant (PMID: 34973183). This variant has been identified in one or more affected individuals with a phenotype highly consistent with the associated gene (PMID: 34973183). Computational prediction algorithms indicate this variant is likely to affect gene or protein function. Given the available evidence, this variant is classified as Likely Pathogenic.

Literature cited by the submitters: PubMed 34973183.